The following is an entry in ClinVar:

NM_005751.5(AKAP9):c.1253T>G (p.Ile418Arg)

Gene: AKAP9 (A-kinase anchoring protein 9; plus strand). Cytogenetic location: 7q21.2.
Variant type: single nucleotide variant.
Coding change: c.1253T>G on transcript NM_005751.5 (MANE Select); coding-DNA position 1253, T replaced by G.
Protein change: p.Ile418Arg; replaces isoleucine 418 with arginine.
Molecular consequence: missense variant.
Genome position (GRCh38, 1-based): chr7:92,001,170, T>G. VCF-style: chr7-92001170-T-G. GRCh37 (hg19) VCF-style: chr7-91630484-T-G.
Other names: c.1253T>G, p.Ile418Arg (NM_147185.3); short protein forms I418R.
Identifiers: ClinVar variation 1761316 (VCV001761316.7), dbSNP rs752626437, ClinGen allele CA368121361.
Genomic context (GRCh38, chr7:92,001,170, plus strand): 5'-TGGGGACAGTCGAAGAACTTCAGAAGAGAAATCATAAAGACAGCCAGTTCGAAACTGATA[T>G]AGTACAACGAATGGAACAAGAAACACAAAGAAAGTTAGAACAACTCCGGGCAGAGCTGGA-3'
Protein context (NP_005742.4, residues 408-428): NHKDSQFETD[Ile418Arg]VQRMEQETQR

ClinVar aggregate classification (germline): Uncertain significance. Review status: criteria provided, multiple submitters, no conflicts (2 of 4 stars). 2 submissions from 2 submitters: Uncertain significance (2). Last evaluated 2025-09-14.

Conditions:
Cardiovascular phenotype. Identifiers: MedGen CN230736.
Long QT syndrome (LQTS). Identifiers: MedGen C0023976, MeSH D008133, MONDO:0002442. Disease mechanism: loss of function. Inheritance: Various modes of inheritance.

Allele frequency attached by ClinVar (database versions not stated): gnomAD 0.00003; TOPMed 0.00005.
gnomAD v4.1: 6 of 1,613,878 alleles (0.00037%); highest among the groups gnomAD compares: African/African-American, 0.008%; no homozygotes.

Submissions (2):

Labcorp Genetics (formerly Invitae), Labcorp
Classification: Uncertain significance for Long QT syndrome. Last evaluated: 2025-09-14. Review status: criteria provided, single submitter. Criteria: Invitae Variant Classification Sherloc (09022015). Collection method: clinical testing. Allele origin: germline.
Comment: This sequence change replaces isoleucine, which is neutral and non-polar, with arginine, which is basic and polar, at codon 418 of the AKAP9 protein (p.Ile418Arg). This variant is present in population databases (no rsID available, gnomAD 0.007%). This variant has not been reported in the literature in individuals affected with AKAP9-related conditions. ClinVar contains an entry for this variant (Variation ID: 1761316). An algorithm developed to predict the effect of missense changes on protein structure and function (PolyPhen-2) suggests that this variant is likely to be tolerated. In summary, the available evidence is currently insufficient to determine the role of this variant in disease. Therefore, it has been classified as a Variant of Uncertain Significance.

Ambry Genetics
Classification: Uncertain significance for Cardiovascular phenotype. Last evaluated: 2023-11-04. Review status: criteria provided, single submitter. Criteria: Ambry Variant Classification Scheme 2023. Collection method: clinical testing. Allele origin: germline.
Comment: The p.I418R variant (also known as c.1253T>G), located in coding exon 8 of the AKAP9 gene, results from a T to G substitution at nucleotide position 1253. The isoleucine at codon 418 is replaced by arginine, an amino acid with similar properties. This amino acid position is poorly conserved in available vertebrate species. In addition, this alteration is predicted to be tolerated by in silico analysis. Since supporting evidence is limited at this time, the clinical significance of this alteration remains unclear.